The following is an entry in ClinVar:

ClinVar aggregate classification (germline): Uncertain significance (1 of 4 stars; one submission).

gnomAD v4.1: 4 of 1,613,318 alleles (0.00025%); highest among the groups gnomAD compares: African/African-American, 0.0054%; no homozygotes.

Submission:

Labcorp Genetics (formerly Invitae), Labcorp
Classification: Uncertain significance. Last evaluated: 2025-06-20. Review status: criteria provided, single submitter. Criteria: Invitae Variant Classification Sherloc (09022015). Collection method: clinical testing. Allele origin: germline.
Comment: This sequence change replaces aspartic acid, which is acidic and polar, with alanine, which is neutral and non-polar, at codon 661 of the MKL1 protein (p.Asp661Ala). This variant is not present in population databases (gnomAD no frequency). This variant has not been reported in the literature in individuals affected with MKL1-related conditions. An algorithm developed to predict the effect of missense changes on protein structure and function (PolyPhen-2) suggests that this variant is likely to be disruptive. In summary, the available evidence is currently insufficient to determine the role of this variant in disease. Therefore, it has been classified as a Variant of Uncertain Significance.

NM_020831.6(MRTFA):c.2282A>C (p.Asp761Ala)

Gene: MRTFA (myocardin related transcription factor A; minus strand). Cytogenetic location: 22q13.1.
Variant type: single nucleotide variant.
Coding change: c.2282A>C on transcript NM_020831.6 (MANE Select); coding-DNA position 2282, A replaced by C.
Protein change: p.Asp761Ala; replaces aspartic acid 761 with alanine.
Molecular consequence: missense variant.
Genome position (GRCh38, 1-based): chr22:40,418,456, T>G on the plus strand (A>C on the coding strand, the complement: MRTFA is on the minus strand). VCF-style: chr22-40418456-T-G. GRCh37 (hg19) VCF-style: chr22-40814460-T-G.
Other names: c.1982A>C, p.Asp661Ala (NM_001282660.2); c.2132A>C, p.Asp711Ala (NM_001282661.3); c.2282A>C, p.Asp761Ala (NM_001282662.3); c.2087A>C, p.Asp696Ala (NM_001318139.2); short protein forms D661A, D696A, D711A, D761A.
Identifiers: ClinVar variation 4803284 (VCV004803284.1).